The following is an entry in ClinVar:

ClinVar aggregate classification (germline): Uncertain significance (1 of 4 stars; one submission).

Conditions:
Cardiovascular phenotype. Identifiers: MedGen CN230736.

gnomAD v4.1: 1 of 1,614,004 alleles (0.000062%); highest among the groups gnomAD compares: Non-Finnish European, 0.000085%; no homozygotes.

Submission:

Ambry Genetics
Classification: Uncertain significance for Cardiovascular phenotype. Last evaluated: 2025-04-19. Review status: criteria provided, single submitter. Criteria: Ambry Variant Classification Scheme 2023. Collection method: clinical testing. Allele origin: germline.
Comment: The p.R822K variant (also known as c.2465G>A), located in coding exon 16 of the CBL gene, results from a G to A substitution at nucleotide position 2465. The arginine at codon 822 is replaced by lysine, an amino acid with highly similar properties. This amino acid position is conserved. In addition, the in silico prediction for this alteration is inconclusive. Based on the available evidence, the clinical significance of this variant remains unclear.

NM_005188.4(CBL):c.2465G>A (p.Arg822Lys)

Gene: CBL (Cbl proto-oncogene; plus strand). Cytogenetic location: 11q23.3.
Variant type: single nucleotide variant.
Coding change: c.2465G>A on transcript NM_005188.4 (MANE Select); coding-DNA position 2465, G replaced by A.
Protein change: p.Arg822Lys; replaces arginine 822 with lysine.
Molecular consequence: missense variant.
Genome position (GRCh38, 1-based): chr11:119,299,525, G>A. VCF-style: chr11-119299525-G-A. GRCh37 (hg19) VCF-style: chr11-119170235-G-A.
Other names: short protein forms R822K.
Identifiers: ClinVar variation 3996028 (VCV003996028.1).
Genomic context (GRCh38, chr11:119,299,525, plus strand): 5'-TGCAAATATTTTCTTTCCTATTTCTTCTAGATGTCACTGAAGGTTCCCAAGTTCCCGAGA[G>A]GCCTCCAAAACCATTCCCGCGGAGAATCAACTCTGAACGGAAAGCTGGCAGCTGTCAGCA-3'
Protein context (NP_005179.2, residues 812-832): NVTEGSQVPE[Arg822Lys]PPKPFPRRIN